The following is an entry in ClinVar:

NM_001110556.2(FLNA):c.692A>G (p.Gln231Arg)

Gene: FLNA (filamin A; minus strand). Cytogenetic location: Xq28.
Variant type: single nucleotide variant.
Coding change: c.692A>G on transcript NM_001110556.2 (MANE Select); coding-DNA position 692, A replaced by G.
Protein change: p.Gln231Arg; replaces glutamine 231 with arginine.
Molecular consequence: missense variant.
Genome position (GRCh38, 1-based): chrX:154,367,669, T>C on the plus strand (A>G on the coding strand, the complement: FLNA is on the minus strand). VCF-style: chrX-154367669-T-C. GRCh37 (hg19) VCF-style: chrX-153596037-T-C.
Other names: c.692A>G, p.Gln231Arg (NM_001456.4); short protein forms Q231R.
Identifiers: ClinVar variation 2921675 (VCV002921675.3), dbSNP rs1238342421, ClinGen allele CA415248793.

ClinVar aggregate classification (germline): Uncertain significance (1 of 4 stars; one submission).

Conditions:
Oto-palato-digital syndrome, type II (OPD2). Also called: Otopalatodigital Syndrome Type 2 (FLNA-OPD2); FACIOPALATOOSSEOUS SYNDROME; OPD II SYNDROME; Otopalatodigital Syndrome, Type II. Identifiers: Orphanet 669, Orphanet 90652, MedGen C1844696, MONDO:0010571, OMIM 304120.
Heterotopia, periventricular, X-linked dominant (PVNH1). Also called: PERIVENTRICULAR NODULAR HETEROTOPIA 1; X-linked periventricular heterotopia; PERIVENTRICULAR NODULAR HETEROTOPIA 4; HETEROTOPIA, PERIVENTRICULAR, 1. Identifiers: Orphanet 2149, Orphanet 82004, MedGen C1848213, MONDO:0010233, OMIM 300049.
Melnick-Needles syndrome (MNS). Also called: Melnick-Needles Syndrome (FLNA-MNS); MELNICK-NEEDLES OSTEODYSPLASTY; OSTEODYSPLASTY OF MELNICK AND NEEDLES. Identifiers: Orphanet 2484, MedGen C0025237, MONDO:0010650, OMIM 309350.
Frontometaphyseal dysplasia (FMD1). Identifiers: Orphanet 1826, MedGen C0265293, MONDO:0015942.

Allele frequency attached by ClinVar (database versions not stated): TOPMed 0.00001; gnomAD 0.00001.
gnomAD v4.1: 1 of 1,210,086 alleles (0.000083%); highest among the groups gnomAD compares: Non-Finnish European, 0.00011%; no homozygotes.

Submission:

Labcorp Genetics (formerly Invitae), Labcorp
Classification: Uncertain significance for Oto-palato-digital syndrome, type II; Heterotopia, periventricular, X-linked dominant; Frontometaphyseal dysplasia; Melnick-Needles syndrome. Last evaluated: 2024-01-02. Review status: criteria provided, single submitter. Criteria: Invitae Variant Classification Sherloc (09022015). Collection method: clinical testing. Allele origin: germline.
Comment: This sequence change replaces glutamine, which is neutral and polar, with arginine, which is basic and polar, at codon 231 of the FLNA protein (p.Gln231Arg). This variant is not present in population databases (gnomAD no frequency). This variant has not been reported in the literature in individuals affected with FLNA-related conditions. Advanced modeling of protein sequence and biophysical properties (such as structural, functional, and spatial information, amino acid conservation, physicochemical variation, residue mobility, and thermodynamic stability) has been performed at Invitae for this missense variant, however the output from this modeling did not meet the statistical confidence thresholds required to predict the impact of this variant on FLNA protein function. In summary, the available evidence is currently insufficient to determine the role of this variant in disease. Therefore, it has been classified as a Variant of Uncertain Significance.